The following is an entry in ClinVar:

ClinVar aggregate classification (germline): Pathogenic. Review status: criteria provided, multiple submitters, no conflicts (2 of 4 stars). 9 submissions from 9 submitters: Pathogenic (9). Last evaluated 2025-05-19.

Conditions:
Polycystic kidney disease 4 (PKD4). Also called: POLYCYSTIC KIDNEY DISEASE 4 WITH OR WITHOUT POLYCYSTIC LIVER DISEASE; Autosomal Recessive Polycystic Kidney Disease – PKHD1; POLYCYSTIC KIDNEY AND HEPATIC DISEASE 1; POLYCYSTIC KIDNEY DISEASE, INFANTILE, TYPE I; PKD3. Identifiers: MedGen C4540575, MONDO:0033004, OMIM 263200.
Autosomal recessive polycystic kidney disease (ARPKD). Also called: AR polycystic kidney disease. Identifiers: Orphanet 731, Orphanet 8378, MedGen C0085548, MeSH D017044, MONDO:0009889.
PKHD1-related disorder. Also called: PKHD1-related condition.

Submissions (9):

Natera, Inc.
Classification: Pathogenic for Autosomal recessive polycystic kidney disease. Last evaluated: 2025-05-19. Review status: criteria provided, single submitter. Criteria: Natera Variant Classification Schema (03/2026). Collection method: clinical testing. Allele origin: germline.
Comment: The c.8114delG variant in PKHD1 is a frameshift variant predicted to shift the reading frame beginning at codon 2705 and leads to a stop codon 11 codons downstream. This variant is expected to result in nonsense mediated decay, truncation, or a dysfunctional protein product. This variant is rare in the general population with a frequency below the threshold expected for the associated phenotype(s). This variant has been observed in one or more individuals affected with the associated recessive disease, as either homozygous or compound heterozygous with a second variant (PMID: 32574212). Given the available evidence, this variant is classified as Pathogenic.

PreventionGenetics, part of Exact Sciences
Classification: Pathogenic for PKHD1-related condition. Last evaluated: 2025-01-24. Review status: criteria provided, single submitter. Criteria: ACMG Guidelines, 2015. Collection method: clinical testing. Allele origin: germline.
Comment: The PKHD1 c.8114delG variant is predicted to result in a frameshift and premature protein termination (p.Gly2705Valfs*11). This variant has been reported in multiple individuals with autosomal recessive polycystic kidney disease (see for examples, Sharp et al. 2005. PubMed ID: 15805161; Wicher et al. 2020. PubMed ID: 33282801; Obeidova et al. 2020. PubMed ID: 32574212). This variant is reported in 0.0018% of alleles in individuals of European (non-Finnish) descent in gnomAD. Frameshift variants in PKHD1 are expected to be pathogenic. This variant is interpreted as pathogenic.

Labcorp Genetics (formerly Invitae), Labcorp
Classification: Pathogenic for Autosomal recessive polycystic kidney disease. Last evaluated: 2024-09-09. Review status: criteria provided, single submitter. Criteria: Invitae Variant Classification Sherloc (09022015). Collection method: clinical testing. Allele origin: germline.
Comment: This sequence change creates a premature translational stop signal (p.Gly2705Valfs*11) in the PKHD1 gene. It is expected to result in an absent or disrupted protein product. Loss-of-function variants in PKHD1 are known to be pathogenic (PMID: 19940839). This variant is present in population databases (rs774050795, gnomAD 0.002%). This premature translational stop signal has been observed in individuals with autosomal recessive polycystic kidney disease (PMID: 15805161, 20413436). ClinVar contains an entry for this variant (Variation ID: 871259). Algorithms developed to predict the effect of sequence changes on RNA splicing suggest that this variant may disrupt the consensus splice site. For these reasons, this variant has been classified as Pathogenic.

Laboratorio de Genetica e Diagnostico Molecular, Hospital Israelita Albert Einstein
Classification: Pathogenic for Polycystic kidney disease 4. Last evaluated: 2024-04-09. Review status: criteria provided, single submitter. Criteria: ACMG Guidelines, 2015. Collection method: clinical testing. Allele origin: germline. Affected: yes.
Comment: ACMG classification criteria: PVS1 very strong, PM2 supporting, PM3 very strong

Fulgent Genetics
Classification: Pathogenic for Polycystic kidney disease 4. Last evaluated: 2024-03-25. Review status: criteria provided, single submitter. Criteria: ACMG Guidelines, 2015. Collection method: clinical testing. Allele origin: germline.

Women's Health and Genetics/Laboratory Corporation of America, LabCorp
Classification: Pathogenic for Autosomal recessive polycystic kidney disease. Last evaluated: 2021-11-01. Review status: criteria provided, single submitter. Criteria: LabCorp Variant Classification Summary - May 2015. Collection method: clinical testing. Allele origin: germline.
Comment: Variant summary: PKHD1 c.8114delG (p.Gly2705ValfsX11) results in a premature termination codon, predicted to cause a truncation of the encoded protein or absence of the protein due to nonsense mediated decay, which are commonly known mechanisms for disease. Truncations downstream of this position have been classified as pathogenic by our laboratory. The variant allele was found at a frequency of 8e-06 in 251160 control chromosomes (gnomAD). c.8114delG has been reported in the literature in multiple individuals affected with Polycystic Kidney And Hepatic Disease (examples: Sharp_2005, Gunay-Aygun_2009, Obeidova_2015, Tong_2016, and Wicher_2020). These data indicate that the variant is associated with disease. Three clinical diagnostic laboratories have submitted clinical-significance assessments for this variant to ClinVar after 2014 and all laboratories classified the variant as pathogenic. Based on the evidence outlined above, the variant was classified as pathogenic.

Department of Pathology and Laboratory Medicine, Sinai Health System
Classification: Pathogenic for Polycystic kidney disease 4. Last evaluated: 2021-08-26. Review status: criteria provided, single submitter. Criteria: ACMG Guidelines, 2015. Collection method: clinical testing. Allele origin: germline. Affected: yes.

Laboratory of Molecular Genetics, Children's Memorial Health Institute
Classification: Pathogenic for Polycystic kidney disease 4. Last evaluated: 2020-09-25. Review status: criteria provided, single submitter. Criteria: ACMG Guidelines, 2015. Collection method: clinical testing. Allele origin: unknown. Inheritance: Autosomal recessive inheritance. Affected: yes. Observed: 3 compound heterozygotes. Clinical features observed: Polycystic kidney disease (HP:0000113), Hepatic fibrosis (HP:0001395), Hepatic cysts (HP:0001407), Portal hypertension (HP:0001409).

CeGaT Center for Human Genetics Tuebingen
Classification: Pathogenic. Last evaluated: 2017-04-01. Review status: criteria provided, single submitter. Criteria: CeGaT Center For Human Genetics Tuebingen Variant Classification Criteria Version 2. Collection method: clinical testing. Allele origin: germline. Affected: yes. Observed: 1 variant allele.

Literature cited by the submitters: PubMed 32574212 (cited by Natera, Inc.); PubMed 19940839 (cited by Labcorp Genetics (formerly Invitae), Labcorp); PubMed 15805161 (cited by 3 submitters); PubMed 20413436 (cited by Labcorp Genetics (formerly Invitae), Labcorp and Women's Health and Genetics/Laboratory Corporation of America, LabCorp); PubMed 26695994 (cited by Women's Health and Genetics/Laboratory Corporation of America, LabCorp); PubMed 27752906 (cited by Women's Health and Genetics/Laboratory Corporation of America, LabCorp); PubMed 33282801 (cited by Women's Health and Genetics/Laboratory Corporation of America, LabCorp); PubMed 19914852 (cited by Department of Pathology and Laboratory Medicine, Sinai Health System).

NM_138694.4(PKHD1):c.8114del (p.Gly2705fs)

Gene: PKHD1 (PKHD1 ciliary IPT domain containing fibrocystin/polyductin; minus strand). Cytogenetic location: 6p12.2.
Variant type: Deletion.
Coding change: c.8114del on transcript NM_138694.4 (MANE Select); coding-DNA position 8114, one base deleted (G; older notation c.8114delG).
Protein change: p.Gly2705fs; shifts the reading frame from glycine 2705.
Molecular consequence: frameshift variant.
Genome position (GRCh38, 1-based): chr6:51,836,463, C deleted on the plus strand (G on the coding strand, the reverse complement: PKHD1 is on the minus strand); the first of 2 consecutive C bases (chr6:51,836,463-51,836,464); deleting either gives the same sequence. VCF-style (leftmost placement, unchanged base first): chr6-51836462-AC-A. GRCh37 (hg19) VCF-style: chr6-51701260-AC-A.
Other names: c.8114del, p.Gly2705fs (NM_170724.3); c.8114delG (NM_138694.3); short protein forms G2705fs.
Identifiers: ClinVar variation 871259 (VCV000871259.64), dbSNP rs774050795, ClinGen allele CA3851731.